The following is an entry in ClinVar:

ClinVar aggregate classification (germline): Pathogenic (1 of 4 stars; one submission).

Conditions:
Short stature-brachydactyly-obesity-global developmental delay syndrome. Also called: SHORT STATURE, BRACHYDACTYLY, IMPAIRED INTELLECTUAL DEVELOPMENT, AND SEIZURES; Short stature, brachydactyly, intellectual developmental disability, and seizures. Identifiers: Orphanet 464288, MedGen C4310689, MONDO:0014944, OMIM 617157.

Submission:

Victorian Clinical Genetics Services, Murdoch Childrens Research Institute
Classification: Pathogenic for Short stature-brachydactyly-obesity-global developmental delay syndrome. Last evaluated: 2023-07-17. Review status: criteria provided, single submitter. Criteria: ACMG Guidelines, 2015. Collection method: clinical testing. Allele origin: germline. Inheritance: Autosomal recessive inheritance. Affected: yes.
Comment: Based on the classification scheme VCGS_Germline_v1.3.4, this variant is classified as Pathogenic. Following criteria are met: 0102 - Loss of function is a known mechanism of disease in this gene and is associated with short stature, brachydactyly, intellectual developmental disability, and seizures (MIM#617157). (I) 0106 - This gene is associated with autosomal recessive disease. (I) 0201 - Variant is predicted to cause nonsense-mediated decay (NMD) and loss of protein (premature termination codon is located at least 54 nucleotides upstream of the final exon-exon junction). (SP) 0251 - This variant is heterozygous. (I) 0301 - Variant is absent from gnomAD (both v2 and v3). (SP) 0701 - Other NMD predicted variants comparable to the one identified in this case have very strong previous evidence for pathogenicity (DECIPHER). (SP) 0807 - This variant has no previous evidence of pathogenicity. (I) 0905 - No published segregation evidence has been identified for this variant. (I) 1007 - No published functional evidence has been identified for this variant. (I) 1201 - Heterozygous variant detected in trans with a second likely pathogenic heterozygous variant (p.(Arg387Gly)) in a recessive disease. (I) Legend: (SP) - Supporting pathogenic, (I) - Information, (SB) - Supporting benign

NM_019023.5(PRMT7):c.1678del (p.Glu560fs)

Gene: PRMT7 (protein arginine methyltransferase 7; plus strand). Cytogenetic location: 16q22.1.
Variant type: Deletion.
Coding change: c.1678del on transcript NM_019023.5 (MANE Select); coding-DNA position 1678, one base deleted (G; older notation c.1678delG).
Protein change: p.Glu560fs; shifts the reading frame from glutamic acid 560.
Molecular consequence: frameshift variant. On other transcripts: non-coding transcript variant (12).
Genome position (GRCh38, 1-based): chr16:68,355,750, G deleted; the last of 3 consecutive G bases (chr16:68,355,748-68,355,750); deleting any one gives the same sequence. VCF-style (leftmost placement, unchanged base first): chr16-68355747-AG-A. GRCh37 (hg19) VCF-style: chr16-68389650-AG-A.
Other names: c.1528del, p.Glu510fs (NM_001184824.4); c.1678del, p.Glu560fs (NM_001290018.2, NM_001351143.3, NM_001378018.1); c.1681del, p.Glu561fs (NM_001351144.3); c.1471del, p.Glu491fs (NM_001378020.1); c.1441del, p.Glu481fs (NM_001378021.1, NM_001378022.1, NM_001378023.1); short protein forms E481fs, E491fs, E510fs, E560fs, E561fs.
Identifiers: ClinVar variation 3254663 (VCV003254663.1), dbSNP rs2545389934.